The following is an entry in ClinVar:

ClinVar aggregate classification (germline): Uncertain significance (1 of 4 stars; one submission).

Allele frequency attached by ClinVar (database versions not stated): gnomAD exomes below 0.00001.
gnomAD v4.1: 3 of 1,614,206 alleles (0.00019%); highest among the groups gnomAD compares: Non-Finnish European, 0.00025%; no homozygotes.

Submission:

Labcorp Genetics (formerly Invitae), Labcorp
Classification: Uncertain significance. Last evaluated: 2022-05-25. Review status: criteria provided, single submitter. Criteria: Invitae Variant Classification Sherloc (09022015). Collection method: clinical testing. Allele origin: germline.
Comment: In summary, the available evidence is currently insufficient to determine the role of this variant in disease. Therefore, it has been classified as a Variant of Uncertain Significance. Algorithms developed to predict the effect of missense changes on protein structure and function are either unavailable or do not agree on the potential impact of this missense change (SIFT: "Deleterious"; PolyPhen-2: "Possibly Damaging"; Align-GVGD: "Class C0"). This variant has not been reported in the literature in individuals affected with SEMA4A-related conditions. This variant is present in population databases (no rsID available, gnomAD 0.0009%). This sequence change replaces leucine, which is neutral and non-polar, with phenylalanine, which is neutral and non-polar, at codon 443 of the SEMA4A protein (p.Leu443Phe).

NM_022367.4(SEMA4A):c.1327C>T (p.Leu443Phe)

Gene: SEMA4A (semaphorin 4A; plus strand). Cytogenetic location: 1q22.
Variant type: single nucleotide variant.
Coding change: c.1327C>T on transcript NM_022367.4 (MANE Select); coding-DNA position 1327, C replaced by T.
Protein change: p.Leu443Phe; replaces leucine 443 with phenylalanine.
Molecular consequence: missense variant.
Genome position (GRCh38, 1-based): chr1:156,174,833, C>T. VCF-style: chr1-156174833-C-T. GRCh37 (hg19) VCF-style: chr1-156144624-C-T.
Other names: c.1327C>T, p.Leu443Phe (NM_001193300.2, NM_001193301.2, NM_001370567.1); c.931C>T, p.Leu311Phe (NM_001193302.2); c.1030C>T, p.Leu344Phe (NM_001370568.1); c.820C>T, p.Leu274Phe (NM_001370569.1, NM_001370571.1); short protein forms L311F, L344F, L274F, L443F.
Identifiers: ClinVar variation 1998702 (VCV001998702.4), dbSNP rs1450557666, ClinGen allele CA342808940.
Genomic context (GRCh38, chr1:156,174,833, plus strand): 5'-GATCTGTGGATGAGATGAGATGACTTCCACTCTCTCTGTCTCCCCATAGCCACAGGGTCG[C>T]TCCACAAGGCTGTGGTAAGTGGGGACAGCAGTGCTCATCTGGTGGAAGAGATTCAGCTGT-3'
Protein context (NP_071762.2, residues 433-453): VMYLGTTTGS[Leu443Phe]HKAVVSGDSS